The following is an entry in ClinVar:

NM_022367.4(SEMA4A):c.2029C>T (p.Gln677Ter)

Gene: SEMA4A (semaphorin 4A; plus strand). Cytogenetic location: 1q22.
Variant type: single nucleotide variant.
Coding change: c.2029C>T on transcript NM_022367.4 (MANE Select); coding-DNA position 2029, C replaced by T.
Protein change: p.Gln677Ter; replaces glutamine 677 with a stop codon.
Molecular consequence: nonsense.
Genome position (GRCh38, 1-based): chr1:156,176,740, C>T. VCF-style: chr1-156176740-C-T. GRCh37 (hg19) VCF-style: chr1-156146531-C-T.
Other names: c.2029C>T, p.Gln677Ter (NM_001193300.2, NM_001193301.2, NM_001370567.1); c.1633C>T, p.Gln545Ter (NM_001193302.2); c.1732C>T, p.Gln578Ter (NM_001370568.1); c.1522C>T, p.Gln508Ter (NM_001370569.1, NM_001370571.1); short protein forms Q545*, Q508*, Q578*, Q677*.
Identifiers: ClinVar variation 861823 (VCV000861823.7), dbSNP rs1655377258, ClinGen allele CA342813498.

ClinVar aggregate classification (germline): Uncertain significance (1 of 4 stars; one submission).

Allele frequency attached by ClinVar (database versions not stated): gnomAD exomes below 0.00001.
gnomAD v4.1: 2 of 1,612,910 alleles (0.00012%); highest among the groups gnomAD compares: Non-Finnish European, 0.00017%; no homozygotes.

Submission:

Labcorp Genetics (formerly Invitae), Labcorp
Classification: Uncertain significance. Last evaluated: 2022-06-27. Review status: criteria provided, single submitter. Criteria: Invitae Variant Classification Sherloc (09022015). Collection method: clinical testing. Allele origin: germline.
Comment: Experimental studies and prediction algorithms are not available or were not evaluated, and the functional significance of this variant is currently unknown. ClinVar contains an entry for this variant (Variation ID: 861823). This variant has not been reported in the literature in individuals affected with SEMA4A-related conditions. This variant is not present in population databases (gnomAD no frequency). This sequence change creates a premature translational stop signal (p.Gln677*) in the SEMA4A gene. While this is not anticipated to result in nonsense mediated decay, it is expected to disrupt the last 85 amino acid(s) of the SEMA4A protein. In summary, the available evidence is currently insufficient to determine the role of this variant in disease. Therefore, it has been classified as a Variant of Uncertain Significance.